The following is an entry in ClinVar:

ClinVar aggregate classification (germline): Pathogenic (1 of 4 stars; one submission).

Conditions:
Nemaline myopathy 2 (NEM2). Also called: Nemaline myopathy 2, autosomal recessive. Identifiers: MedGen C1850569, MONDO:0009725, OMIM 256030.

Submission:

Labcorp Genetics (formerly Invitae), Labcorp
Classification: Pathogenic for Nemaline myopathy 2. Last evaluated: 2019-02-11. Review status: criteria provided, single submitter. Criteria: Invitae Variant Classification Sherloc (09022015). Collection method: clinical testing. Allele origin: germline.
Comment: This variant has not been reported in the literature in individuals with NEB-related disease. For these reasons, this variant has been classified as Pathogenic. Loss-of-function variants in NEB are known to be pathogenic (PMID: 25205138). This variant is not present in population databases (ExAC no frequency). This sequence change creates a premature translational stop signal (p.Ala7454Glyfs*55) in the NEB gene. It is expected to result in an absent or disrupted protein product.

Literature cited by the submitters: PubMed 25205138.

NM_001164508.2(NEB):c.22256_22257delinsG (p.Ala7419fs)

Genes: NEB (nebulin; minus strand), RIF1 (replication timing regulatory factor 1; plus strand). Cytogenetic location: 2q23.3.
Variant type: Indel.
Coding change: c.22256_22257delinsG on transcript NM_001164508.2 (MANE Select); coding-DNA positions 22256 to 22257, CC replaced by G.
Protein change: p.Ala7419fs; shifts the reading frame from alanine 7419.
Molecular consequence: frameshift variant.
Genome position (GRCh38, 1-based): chr2:151,525,178-151,525,179, GG replaced by C on the plus strand (CC replaced by G on the coding strand, the reverse complement: NEB is on the minus strand). VCF-style: chr2-151525178-GG-C. GRCh37 (hg19) VCF-style: chr2-152381692-GG-C.
Other names: c.22256_22257delinsG, p.Ala7419fs (NM_001164507.2); c.22361_22362delinsG, p.Ala7454fs (NM_001271208.2); c.17153_17154delinsG, p.Ala5718fs (NM_004543.5); short protein forms A7454fs, A5718fs, A7419fs.
Identifiers: ClinVar variation 567422 (VCV000567422.6), dbSNP rs1559534672, ClinGen allele CA891842790.